The following is an entry in ClinVar:

NM_000268.4(NF2):c.1499T>C (p.Leu500Pro)

Gene: NF2 (NF2, moesin-ezrin-radixin like (MERLIN) tumor suppressor; plus strand). Cytogenetic location: 22q12.2.
Variant type: single nucleotide variant.
Coding change: c.1499T>C on transcript NM_000268.4 (MANE Select); coding-DNA position 1499, T replaced by C.
Protein change: p.Leu500Pro; replaces leucine 500 with proline.
Molecular consequence: missense variant. On other transcripts: non-coding transcript variant (1), intron variant (1).
Genome position (GRCh38, 1-based): chr22:29,678,248, T>C. VCF-style: chr22-29678248-T-C. GRCh37 (hg19) VCF-style: chr22-30074237-T-C.
Other names: c.1499T>C, p.Leu500Pro (NM_016418.5, NM_181825.3, NM_181832.3); c.1373T>C, p.Leu458Pro (NM_181828.3); c.1376T>C, p.Leu459Pro (NM_181829.3); c.1250T>C, p.Leu417Pro (NM_181830.3, NM_181831.3); c.448-16504T>C (NM_181833.3); short protein forms L458P, L459P, L417P, L500P.
Identifiers: ClinVar variation 1493989 (VCV001493989.8), dbSNP rs2147108303, ClinGen allele CA411149649.

ClinVar aggregate classification (germline): Uncertain significance (1 of 4 stars; one submission).

Conditions:
Neurofibromatosis, type 2 (SWNV). Also called: BILATERAL ACOUSTIC NEUROFIBROMATOSIS; SCHWANNOMATOSIS, VESTIBULAR; NF2-Related Schwannomatosis. Identifiers: Orphanet 637, MedGen C0027832, MONDO:0007039, OMIM 101000. Disease mechanism: loss of function.

Submission:

Labcorp Genetics (formerly Invitae), Labcorp
Classification: Uncertain significance for Neurofibromatosis, type 2. Last evaluated: 2021-05-27. Review status: criteria provided, single submitter. Criteria: Invitae Variant Classification Sherloc (09022015). Collection method: clinical testing. Allele origin: germline.
Comment: In summary, the available evidence is currently insufficient to determine the role of this variant in disease. Therefore, it has been classified as a Variant of Uncertain Significance. Algorithms developed to predict the effect of missense changes on protein structure and function are either unavailable or do not agree on the potential impact of this missense change (SIFT: "Deleterious"; PolyPhen-2: "Possibly Damaging"; Align-GVGD: "Class C0"). This variant has not been reported in the literature in individuals with NF2-related conditions. This variant is not present in population databases (ExAC no frequency). This sequence change replaces leucine with proline at codon 500 of the NF2 protein (p.Leu500Pro). The leucine residue is weakly conserved and there is a moderate physicochemical difference between leucine and proline.